The following is an entry in ClinVar:

NM_001368882.1(COL13A1):c.52_53delinsAA (p.Gly18Lys)

Gene: COL13A1 (collagen type XIII alpha 1 chain; plus strand). Cytogenetic location: 10q22.1.
Variant type: Indel.
Coding change: c.52_53delinsAA on transcript NM_001368882.1 (MANE Select); coding-DNA positions 52 to 53, GG replaced by AA.
Protein change: p.Gly18Lys; replaces glycine 18 with lysine.
Molecular consequence: missense variant. On other transcripts: 5 prime UTR variant (1).
Genome position (GRCh38, 1-based): chr10:69,802,475-69,802,476, GG replaced by AA. VCF-style: chr10-69802475-GG-AA. GRCh37 (hg19) VCF-style: chr10-71562231-GG-AA.
Other names: c.52_53delinsAA, p.Gly18Lys (NM_001130103.2, NM_001320951.2, NM_001368883.1 and 11 more transcripts); c.-602_-601delinsAA (NM_001368886.1); short protein forms G18K.
Identifiers: ClinVar variation 1463841 (VCV001463841.8), dbSNP rs2131978033, ClinGen allele CA2573145322.

ClinVar aggregate classification (germline): Uncertain significance (1 of 4 stars; one submission).

Submission:

Labcorp Genetics (formerly Invitae), Labcorp
Classification: Uncertain significance. Last evaluated: 2022-10-04. Review status: criteria provided, single submitter. Criteria: Invitae Variant Classification Sherloc (09022015). Collection method: clinical testing. Allele origin: germline.
Comment: This sequence change replaces glycine, which is neutral and non-polar, with lysine, which is basic and polar, at codon 18 of the COL13A1 protein (p.Gly18Lys). Information on the frequency of this variant in the gnomAD database is not available, as this variant may be reported differently in the database. This variant has not been reported in the literature in individuals affected with COL13A1-related conditions. ClinVar contains an entry for this variant (Variation ID: 1463841). Algorithms developed to predict the effect of missense changes on protein structure and function are either unavailable or do not agree on the potential impact of this missense change (SIFT: "Not Available"; PolyPhen-2: "Benign"; Align-GVGD: "Not Available"). Algorithms developed to predict the effect of sequence changes on RNA splicing suggest that this variant may create or strengthen a splice site. In summary, the available evidence is currently insufficient to determine the role of this variant in disease. Therefore, it has been classified as a Variant of Uncertain Significance.